The following is an entry in ClinVar:

NM_001377.3(DYNC2H1):c.2574+1G>A

Gene: DYNC2H1 (dynein cytoplasmic 2 heavy chain 1; plus strand). Cytogenetic location: 11q22.3.
Variant type: single nucleotide variant.
Coding change: c.2574+1G>A on transcript NM_001377.3 (MANE Select); the canonical splice donor site of the intron after coding-DNA position 2574, G replaced by A.
Molecular consequence: splice donor variant.
Genome position (GRCh38, 1-based): chr11:103,135,949, G>A. VCF-style: chr11-103135949-G-A. GRCh37 (hg19) VCF-style: chr11-103006678-G-A.
Other names: c.2574+1G>A (NM_001080463.2).
Identifiers: ClinVar variation 558750 (VCV000558750.12), dbSNP rs1565329461, ClinGen allele CA382261041.

ClinVar aggregate classification (germline): Pathogenic/Likely pathogenic. Review status: criteria provided, multiple submitters, no conflicts (2 of 4 stars). 4 submissions from 4 submitters: Pathogenic (2); Likely pathogenic (2). Last evaluated 2024-04-05.

Conditions:
Asphyxiating thoracic dystrophy 3. Also called: POLYDACTYLY WITH NEONATAL CHONDRODYSTROPHY, TYPE I; SHORT-RIB THORACIC DYSPLASIA 3/6 WITH POLYDACTYLY, DIGENIC; Short rib polydactyly syndrome 2B; Saldino-Noonan Syndrome; SHORT-RIB THORACIC DYSPLASIA 3 WITH OR WITHOUT POLYDACTYLY. Identifiers: Orphanet 474, Orphanet 93269, Orphanet 93270, Orphanet 93271, MedGen C0036069, MONDO:0013127, OMIM 613091.
Jeune thoracic dystrophy. Also called: Short-rib thoracic dysplasia; Infantile thoracic dystrophy; Thoracic pelvic phalangeal dystrophy; Jeune's syndrome; Chondroectodermal dysplasia-like syndrome; Jeune syndrome. Identifiers: Orphanet 474, MedGen C0265275, MONDO:0018770.

Submissions (4):

Fulgent Genetics
Classification: Likely pathogenic for Asphyxiating thoracic dystrophy 3. Last evaluated: 2024-04-05. Review status: criteria provided, single submitter. Criteria: ACMG Guidelines, 2015. Collection method: clinical testing. Allele origin: germline.

GeneDx
Classification: Likely pathogenic. Last evaluated: 2023-02-02. Review status: criteria provided, single submitter. Criteria: GeneDx Variant Classification Process June 2021. Collection method: clinical testing. Allele origin: germline. Affected: yes.
Comment: Reported with a second variant (phase unknown) in a patient in published literature (Stranneheim et al., 2021); clinical information not provided; Canonical splice site variant predicted to result in a null allele in a gene for which loss of function is a known mechanism of disease; Not observed at significant frequency in large population cohorts (gnomAD); This variant is associated with the following publications: (PMID: 33726816)

ARUP Laboratories, Molecular Genetics and Genomics, ARUP Laboratories
Classification: Pathogenic for Asphyxiating thoracic dystrophy 3. Last evaluated: 2022-01-26. Review status: criteria provided, single submitter. Criteria: ARUP Molecular Germline Variant Investigation Process 2021. Collection method: clinical testing. Allele origin: germline.
Comment: The DYNC2H1 c.2574+1G>A variant (rs1565329461) is reported in the literature in the compound heterozygous state in an individual from a rare disease cohort, although the specific phenotype was not provided (Stranneheim 2021). This variant is also reported in ClinVar (Variation ID: 558750), but is absent from the Genome Aggregation Database, indicating it is not a common polymorphism. This variant disrupts the canonical splice donor site of intron 17, which is likely to negatively impact gene function. Based on available information, this variant is considered to be pathogenic. References: Stranneheim H et al, Integration of whole genome sequencing into a healthcare setting: high diagnostic rates across multiple clinical entities in 3219 rare disease patients. Genome Med. 2021 Mar 17;13(1):40. PMID: 33726816.

Rare Disease Group, Clinical Genetics, Karolinska Institutet
Classification: Pathogenic for Jeune thoracic dystrophy. Last evaluated: 2018-05-01. Review status: criteria provided, single submitter. Criteria: ACMG Guidelines, 2015. Collection method: research. Allele origin: maternal. Inheritance: Autosomal recessive inheritance. Affected: yes.